The following is an entry in ClinVar:

ClinVar aggregate classification (germline): Uncertain significance (1 of 4 stars; one submission).

Conditions:
Quebec platelet disorder (QPD). Also called: BLEEDING DISORDER, PLATELET-TYPE, 5; FACTOR V QUEBEC. Identifiers: Orphanet 220436, MedGen C1866423, MONDO:0011136, OMIM 601709.

Submission:

New York Genome Center
Classification: Uncertain significance for Quebec platelet disorder. Last evaluated: 2021-10-07. Review status: criteria provided, single submitter. Criteria: NYGC Assertion Criteria 2020. Collection method: clinical testing. Allele origin: germline. Observed: 1 heterozygote. Study: CSER-NYCKidSeq.
Comment: The heterozygous one nucleotide duplication c.467dup, p.Pro157AlafsTer22 identified in exon 7 (of 11) of the PLAU gene has not been reported in affected individuals in the literature. The variant alters the wild-type translational reading frame and is predicted to cause loss of normal protein function either through protein truncation or nonsense-mediated mRNA decay. The variant has one heterozygous individual in the gnomAD(v3) database, suggesting it is not a common benign variant in the populations represented in that database. Loss of function variants in the PLAU gene has not been associated with Quebec platelet disorder. Based on the available evidence, the c.467dup, p.Pro157AlafsTer22 variant identified in the PLAU gene is reported as a variant of uncertain significance.

NM_002658.6(PLAU):c.467dup (p.Pro157fs)

Genes: C10orf55 (chromosome 10 putative open reading frame 55; minus strand), PLAU (plasminogen activator, urokinase; plus strand), LOC126860960 (BRD4-independent group 4 enhancer GRCh37_chr10:75672789-75673988; plus strand). Cytogenetic location: 10q22.2.
Variant type: Duplication.
Coding change: c.467dup on transcript NM_002658.6 (MANE Select); coding-DNA position 467, one base duplicated (A; older notation c.467dupA).
Protein change: p.Pro157fs; shifts the reading frame from proline 157.
Molecular consequence: frameshift variant.
Genome position (GRCh38, 1-based): chr10:73,913,545, A duplicated; the last of 6 consecutive A bases (chr10:73,913,540-73,913,545); duplicating any one gives the same sequence. VCF-style (leftmost placement, unchanged base first): chr10-73913539-G-GA. GRCh37 (hg19) VCF-style: chr10-75673297-G-GA.
Other names: c.416dup, p.Pro140fs (NM_001145031.3); c.209dup, p.Pro71fs (NM_001319191.2); short protein forms P140fs, P157fs, P71fs.
Identifiers: ClinVar variation 1696678 (VCV001696678.1), dbSNP rs1435611170, ClinGen allele CA594709281.